The following is an entry in ClinVar:

NM_002764.4(PRPS1):c.720C>T (p.Gly240=)

Gene: PRPS1 (phosphoribosyl pyrophosphate synthetase 1; plus strand). Cytogenetic location: Xq22.3.
Variant type: single nucleotide variant.
Coding change: c.720C>T on transcript NM_002764.4 (MANE Select); coding-DNA position 720, C replaced by T.
Protein change: p.Gly240=; no amino-acid change (glycine 240 retained).
Molecular consequence: synonymous variant.
Genome position (GRCh38, 1-based): chrX:107,647,621, C>T. VCF-style: chrX-107647621-C-T. GRCh37 (hg19) VCF-style: chrX-106890851-C-T.
Other names: c.108C>T, p.Gly36= (NM_001204402.2).
Identifiers: ClinVar variation 701064 (VCV000701064.18), dbSNP rs746885792, ClinGen allele CA10485679.
Genomic context (GRCh38, chrX:107,647,621, plus strand): 5'-CAATGACAAGTAAGATGAATCCAAATCAACATTTTTTCCCTCTAGACTTCTCTCAGCTGG[C>T]GCCACCAGAGTTTATGCCATCTTGACTCATGGAATCTTCTCCGGTCCTGCTATTTCTCGC-3'
Protein context (NP_002755.1, residues 230-250): CHAADKLLSA[Gly240=]ATRVYAILTH

ClinVar aggregate classification (germline): Benign/Likely benign. Review status: criteria provided, multiple submitters, no conflicts (2 of 4 stars). 6 submissions from 4 submitters: Benign (3); Likely benign (2). 1 of the submissions does not count toward it. Last evaluated 2025-09-13.

Conditions:
Charcot-Marie-Tooth Neuropathy X. Identifiers: MedGen CN118851.
Phosphoribosylpyrophosphate synthetase superactivity. Identifiers: Orphanet 3222, MedGen C1970827, MONDO:0010395, OMIM 300661.
Arts syndrome (ARTS). Also called: MENTAL RETARDATION, X-LINKED, SYNDROMIC 18; MENTAL RETARDATION, X-LINKED, SYNDROMIC, ARTS TYPE; ARTS SYNDROME AND PHOSPHORIBOSYLPYROPHOSPHATE SYNTHETASE SUPERACTIVITY. Identifiers: Orphanet 1187, MedGen C0796028, MONDO:0010533, OMIM 301835.
Hearing loss, X-linked 1 (DFNX1). Also called: DEAFNESS, X-LINKED 2, SENSORINEURAL CONGENITAL; DFNX1 Nonsyndromic Hearing Loss and Deafness; DFNX1 Nonsyndromic Sensorineural Hearing Loss (DFN2); DEAFNESS, X-LINKED 1. Identifiers: Orphanet 90625, MedGen C1844677, MONDO:0010577, OMIM 304500.
PRPS1-related disorder. Also called: PRPS1-related condition.

Allele frequency attached by ClinVar (database versions not stated): gnomAD exomes 0.00002 and 0.00006; TOPMed 0.00003; gnomAD 0.00004; ExAC 0.00006.
gnomAD v4.1: 32 of 1,209,550 alleles (0.0026%); highest among the groups gnomAD compares: East Asian, 0.041%; no homozygotes.

Submissions (6):

Labcorp Genetics (formerly Invitae), Labcorp
Classification: Benign for Charcot-Marie-Tooth Neuropathy X. Last evaluated: 2025-09-13. Review status: criteria provided, single submitter. Criteria: Invitae Variant Classification Sherloc (09022015). Collection method: clinical testing. Allele origin: germline.

Blueprint Genetics
Classification: Likely benign. Last evaluated: 2024-06-12. Review status: criteria provided, single submitter. Criteria: ACMG Guidelines, 2015. Collection method: clinical testing. Allele origin: germline.

Illumina Laboratory Services, Illumina
Classification: Benign for Arts syndrome. Last evaluated: 2018-01-13. Review status: criteria provided, single submitter. Criteria: ICSL Variant Classification Criteria 13 December 2019. Collection method: clinical testing. Allele origin: germline.
Comment: This variant was observed in the ICSL laboratory as part of a predisposition screen in an ostensibly healthy population. It had not been previously curated by ICSL or reported in the Human Gene Mutation Database (HGMD: prior to June 1st, 2018), and was therefore a candidate for classification through an automated scoring system. Utilizing variant allele frequency, disease prevalence and penetrance estimates, and inheritance mode, an automated score was calculated to assess if this variant is too frequent to cause the disease. Based on the score and internal cut-off values, a variant classified as benign is not then subjected to further curation. The score for this variant resulted in a classification of benign for this disease.

Illumina Laboratory Services, Illumina
Classification: Benign for Phosphoribosylpyrophosphate synthetase superactivity. Last evaluated: 2018-01-13. Review status: criteria provided, single submitter. Criteria: ICSL Variant Classification Criteria 13 December 2019. Collection method: clinical testing. Allele origin: germline.
Comment: the same text as in the submission from Illumina Laboratory Services, Illumina above.

Illumina Laboratory Services, Illumina
Classification: Likely benign for Hearing loss, X-linked 1. Last evaluated: 2018-01-13. Review status: criteria provided, single submitter. Criteria: ICSL Variant Classification Criteria 13 December 2019. Collection method: clinical testing. Allele origin: germline.
Comment: This variant was observed in the ICSL laboratory as part of a predisposition screen in an ostensibly healthy population. It had not been previously curated by ICSL or reported in the Human Gene Mutation Database (HGMD: prior to June 1st, 2018), and was therefore a candidate for classification through an automated scoring system. Utilizing variant allele frequency, disease prevalence and penetrance estimates, and inheritance mode, an automated score was calculated to assess if this variant is too frequent to cause the disease. Based on the score and internal cut-off values, a variant classified as likely benign is not then subjected to further curation. The score for this variant resulted in a classification of likely benign for this disease.

PreventionGenetics, part of Exact Sciences
Classification: Likely benign for PRPS1-related condition. Last evaluated: 2021-05-26. Review status: no assertion criteria provided. Collection method: clinical testing. Allele origin: germline. Not counted in ClinVar's aggregate classification.
Comment: This variant is classified as likely benign based on ACMG/AMP sequence variant interpretation guidelines (Richards et al. 2015 PMID: 25741868, with internal and published modifications).